The following is an entry in ClinVar:

ClinVar aggregate classification (germline): Pathogenic/Likely pathogenic. Review status: criteria provided, multiple submitters, no conflicts (2 of 4 stars). 3 submissions from 3 submitters: Pathogenic (1); Likely pathogenic (2). Last evaluated 2024-09-16.

Conditions:
IDH3B-related disorders.
Retinitis pigmentosa 46 (RP46). Also called: RETINITIS PIGMENTOSA, AUTOSOMAL RECESSIVE, IDH3B-RELATED. Identifiers: Orphanet 791, MedGen C2675496, MONDO:0012943, OMIM 612572.

gnomAD v4.1: 49 of 1,613,966 alleles (0.003%); highest among the groups gnomAD compares: Admixed American, 0.0083%; no homozygotes.

Submissions (3):

Labcorp Genetics (formerly Invitae), Labcorp
Classification: Pathogenic. Last evaluated: 2024-09-16. Review status: criteria provided, single submitter. Criteria: Invitae Variant Classification Sherloc (09022015). Collection method: clinical testing. Allele origin: germline.
Comment: This sequence change creates a premature translational stop signal (p.Arg191*) in the IDH3B gene. It is expected to result in an absent or disrupted protein product. Loss-of-function variants in IDH3B are known to be pathogenic (PMID: 18806796). This variant is present in population databases (rs755960696, gnomAD 0.004%). This variant has not been reported in the literature in individuals affected with IDH3B-related conditions. Algorithms developed to predict the effect of sequence changes on RNA splicing suggest that this variant may disrupt the consensus splice site. For these reasons, this variant has been classified as Pathogenic.

Fulgent Genetics
Classification: Likely pathogenic for Retinitis pigmentosa 46. Last evaluated: 2024-04-03. Review status: criteria provided, single submitter. Criteria: ACMG Guidelines, 2015. Collection method: clinical testing. Allele origin: germline.

Blueprint Genetics
Classification: Likely pathogenic for IDH3B-related disorders. Last evaluated: 2018-07-02. Review status: criteria provided, single submitter. Criteria: ACMG Guidelines, 2015. Collection method: clinical testing. Allele origin: germline. Affected: yes. Observed: 2 variant alleles.

Literature cited by the submitters: PubMed 18806796 (cited by Labcorp Genetics (formerly Invitae), Labcorp).

NM_006899.5(IDH3B):c.571C>T (p.Arg191Ter)

Gene: IDH3B (isocitrate dehydrogenase (NAD(+)) 3 non-catalytic subunit beta; minus strand). Cytogenetic location: 20p13.
Variant type: single nucleotide variant.
Coding change: c.571C>T on transcript NM_006899.5 (MANE Select); coding-DNA position 571, C replaced by T.
Protein change: p.Arg191Ter; replaces arginine 191 with a stop codon.
Molecular consequence: nonsense. On other transcripts: non-coding transcript variant (1).
Genome position (GRCh38, 1-based): chr20:2,660,551, G>A on the plus strand (C>T on the coding strand, the complement: IDH3B is on the minus strand). VCF-style: chr20-2660551-G-A. GRCh37 (hg19) VCF-style: chr20-2641197-G-A.
Other names: c.571C>T, p.Arg191Ter (NM_001258384.3, NM_001330763.2, NM_174855.4); short protein forms R191*.
Identifiers: ClinVar variation 3587151 (VCV003587151.4).